The following is an entry in ClinVar:

ClinVar aggregate classification (germline): Uncertain significance. Review status: criteria provided, multiple submitters, no conflicts (2 of 4 stars). 4 submissions from 4 submitters: Uncertain significance (4). Last evaluated 2025-10-11.

Conditions:
Beckwith-Wiedemann syndrome (BWS). Also called: EMG SYNDROME; Exomphalos macroglossia gigantism syndrome. Identifiers: Orphanet 116, MedGen C0004903, MONDO:0007534, OMIM 130650.
IMAGe syndrome. Also called: Intrauterine Growth Restriction, Metaphyseal Dysplasia, Adrenal Hypoplasia Congenita, and Genital Anomalies; Intrauterine growth retardation, metaphyseal dysplasia, adrenal hypoplasia congenita, and genital anomalies. Identifiers: Orphanet 85173, MedGen C1846009, MONDO:0013873, OMIM 614732.

Allele frequency attached by ClinVar (database versions not stated): gnomAD 0.00002.

Submissions (4):

Labcorp Genetics (formerly Invitae), Labcorp
Classification: Uncertain significance for Beckwith-Wiedemann syndrome. Last evaluated: 2025-10-11. Review status: criteria provided, single submitter. Criteria: Invitae Variant Classification Sherloc (09022015). Collection method: clinical testing. Allele origin: germline.
Comment: This sequence change replaces alanine, which is neutral and non-polar, with aspartic acid, which is acidic and polar, at codon 215 of the CDKN1C protein (p.Ala215Asp). This variant is not present in population databases (gnomAD no frequency). This variant has not been reported in the literature in individuals affected with CDKN1C-related conditions. ClinVar contains an entry for this variant (Variation ID: 404245). Invitae Evidence Modeling of protein sequence and biophysical properties (such as structural, functional, and spatial information, amino acid conservation, physicochemical variation, residue mobility, and thermodynamic stability) indicates that this missense variant is not expected to disrupt CDKN1C protein function with a negative predictive value of 80%. In summary, the available evidence is currently insufficient to determine the role of this variant in disease. Therefore, it has been classified as a Variant of Uncertain Significance.

Baylor Genetics
Classification: Uncertain significance for Beckwith-Wiedemann syndrome. Last evaluated: 2024-03-15. Review status: criteria provided, single submitter. Criteria: ACMG Guidelines, 2015. Collection method: clinical testing. Allele origin: unknown.

St. Jude Molecular Pathology, St. Jude Children's Research Hospital
Classification: Uncertain significance for Beckwith-Wiedemann syndrome. Last evaluated: 2022-08-02. Review status: criteria provided, single submitter. Criteria: St. Jude Assertion Criteria 2020. Collection method: clinical testing. Allele origin: germline.
Comment: The CDKN1C c.644C>A (p.Ala215Asp) missense change is absent in gnomAD v2.1.1. The in silico tool REVEL predicts a benign effect on protein function, but to our knowledge this prediction has not been confirmed by functional studies. To our knowledge, this variant has not been reported in the literature in individuals with Beckwith-Wiedemann syndrome or IMAGE syndrome. In summary, the evidence currently available is insufficient to determine the clinical significance of this variant. It has therefore been classified as of uncertain significance.

Fulgent Genetics
Classification: Uncertain significance for Beckwith-Wiedemann syndrome; IMAGe syndrome. Last evaluated: 2022-05-17. Review status: criteria provided, single submitter. Criteria: ACMG Guidelines, 2015. Collection method: clinical testing. Allele origin: unknown.

NM_001122630.2(CDKN1C):c.611C>A (p.Ala204Asp)

Gene: CDKN1C (cyclin dependent kinase inhibitor 1C; minus strand). Cytogenetic location: 11p15.4.
Variant type: single nucleotide variant.
Coding change: c.611C>A on transcript NM_001122630.2 (MANE Select); coding-DNA position 611, C replaced by A.
Protein change: p.Ala204Asp; replaces alanine 204 with aspartic acid.
Molecular consequence: missense variant. On other transcripts: intron variant (1).
Genome position (GRCh38, 1-based): chr11:2,884,846, G>T on the plus strand (C>A on the coding strand, the complement: CDKN1C is on the minus strand). VCF-style: chr11-2884846-G-T. GRCh37 (hg19) VCF-style: chr11-2906076-G-T.
Other names: c.644C>A, p.Ala215Asp (NM_000076.2, NM_001362474.2, LRG_533t1); c.611C>A, p.Ala204Asp (NM_001122631.2); c.255+356C>A (NM_001362475.2); short protein forms A215D, A204D.
Identifiers: ClinVar variation 404245 (VCV000404245.13), dbSNP rs1060500176, ClinGen allele CA16613574.